The following is an entry in ClinVar:

ClinVar aggregate classification (germline): Likely benign. Review status: reviewed by expert panel (3 of 4 stars). 2 submissions from 2 submitters: Likely benign (1). 1 of the submissions does not count toward it. Last evaluated 2025-01-15.

Conditions:
Hereditary thrombocytopenia and hematologic cancer predisposition syndrome. Identifiers: Orphanet 71290, MedGen CN281654, MONDO:0011071.
Hereditary thrombocytopenia and hematological cancer predisposition syndrome associated with RUNX1. Also called: RUNX1 Familial Platelet Disorder with Associated Myeloid Malignancies; Familial Platelet Disorder with Propensity to Acute Myelogenous Leukemia; Familial thrombocytopenia with propensity to acute myelogenous leukemia; PLATELET DISORDER, ASPIRIN-LIKE. Identifiers: Orphanet 71290, MedGen C1832388, MeSH C563324, MONDO:0100083, OMIM 601399.

Submissions (2):

ClinGen Myeloid Malignancy Variant Curation Expert Panel
Classification: Likely benign for Hereditary thrombocytopenia and hematologic cancer predisposition syndrome. Last evaluated: 2025-01-15. Review status: reviewed by expert panel. Criteria: ClinGen MyeloMalig ACMG Specifications v2. Collection method: curation. Allele origin: germline. Inheritance: Autosomal dominant inheritance.
Comment: NM_001754.5(RUNX1):c.59-20C>G is an intronic variant which has a SpliceAI score ≤ 0.20 (0.05) (BP4). This variant has a SpliceAI score ≤ 0.20 (0.05) and evolutionary conservation prediction algorithms predict the site as not being conserved (PhyloP score ≤ 2.0 (0.26) (BP7). This variant is completely absent from all population databases with at least 20x coverage for RUNX1 (PM2_Supporting). In summary, this variant meets criteria to be classified as likely benign. ACMG/AMP criteria applied, as specified by the Myeloid Malignancy Variant Curation Expert Panel for RUNX1: BP4, BP7, PM2_supporting.

Labcorp Genetics (formerly Invitae), Labcorp
Classification: Likely benign for Hereditary thrombocytopenia and hematological cancer predisposition syndrome associated with RUNX1. Last evaluated: 2021-10-16. Review status: criteria provided, single submitter. Criteria: Invitae Variant Classification Sherloc (09022015). Collection method: clinical testing. Allele origin: germline. Not counted in ClinVar's aggregate classification.

NM_001754.5(RUNX1):c.59-20C>G

Gene: RUNX1 (RUNX family transcription factor 1; minus strand). Cytogenetic location: 21q22.12.
Variant type: single nucleotide variant.
Coding change: c.59-20C>G on transcript NM_001754.5 (MANE Select); 20 bases into the intron before coding-DNA position 59, C replaced by G.
Molecular consequence: intron variant.
Genome position (GRCh38, 1-based): chr21:34,892,983, G>C on the plus strand (C>G on the coding strand, the complement: RUNX1 is on the minus strand). VCF-style: chr21-34892983-G-C. GRCh37 (hg19) VCF-style: chr21-36265280-G-C.
Identifiers: ClinVar variation 1587700 (VCV001587700.9), dbSNP rs772203397, ClinGen allele CA2573157370.